The following is an entry in ClinVar:

NM_178857.6(RP1L1):c.-153C>A

Gene: RP1L1 (RP1 like 1). Cytogenetic location: 8p23.1.
Variant type: single nucleotide variant.
Coding change: c.-153C>A on transcript NM_178857.6 (MANE Select); 153 bases upstream of the start codon, C replaced by A.
Molecular consequence: 5 prime UTR variant.
Genome position (GRCh38, 1-based): chr8:10,655,031, G>T on the plus strand (C>A on the coding strand, the complement: RP1L1 is on the minus strand). VCF-style: chr8-10655031-G-T. GRCh37 (hg19) VCF-style: chr8-10512541-G-T.
Identifiers: ClinVar variation 361438 (VCV000361438.5), dbSNP rs570111920, ClinGen allele CA10629892.

ClinVar aggregate classification (germline): Benign (1 of 4 stars; one submission).

Conditions:
Occult macular dystrophy (OCMD). Also called: OMD; OCCULT MACULAR DYSTROPHY, SUSCEPTIBILITY TO. Identifiers: Orphanet 247834, MedGen C3150833, MONDO:0013316, OMIM 613587, HP:0030636.

Allele frequency attached by ClinVar (database versions not stated): gnomAD 0.00043 and 0.00047; TOPMed 0.00047; 1000 Genomes Project 0.00060; 1000 Genomes Project 30x 0.00062.

Submission:

Illumina Laboratory Services, Illumina
Classification: Benign for Occult macular dystrophy. Last evaluated: 2018-01-13. Review status: criteria provided, single submitter. Criteria: ICSL Variant Classification Criteria 13 December 2019. Collection method: clinical testing. Allele origin: germline.
Comment: This variant was observed in the ICSL laboratory as part of a predisposition screen in an ostensibly healthy population. It had not been previously curated by ICSL or reported in the Human Gene Mutation Database (HGMD: prior to June 1st, 2018), and was therefore a candidate for classification through an automated scoring system. Utilizing variant allele frequency, disease prevalence and penetrance estimates, and inheritance mode, an automated score was calculated to assess if this variant is too frequent to cause the disease. Based on the score and internal cut-off values, a variant classified as benign is not then subjected to further curation. The score for this variant resulted in a classification of benign for this disease.